The following is an entry in ClinVar:

NM_004304.5(ALK):c.2633-2A>G

Gene: ALK (ALK receptor tyrosine kinase; minus strand). Cytogenetic location: 2p23.2.
Variant type: single nucleotide variant.
Coding change: c.2633-2A>G on transcript NM_004304.5 (MANE Select); the canonical splice acceptor site of the intron before coding-DNA position 2633, A replaced by G.
Molecular consequence: splice acceptor variant.
Genome position (GRCh38, 1-based): chr2:29,229,068, T>C on the plus strand (A>G on the coding strand, the complement: ALK is on the minus strand). VCF-style: chr2-29229068-T-C. GRCh37 (hg19) VCF-style: chr2-29451934-T-C.
Other names: c.2633-2A>G (NM_004304.4).
Identifiers: ClinVar variation 1064376 (VCV001064376.9), dbSNP rs1471857749, ClinGen allele CA346470151.

ClinVar aggregate classification (germline): Uncertain significance. Review status: criteria provided, multiple submitters, no conflicts (2 of 4 stars). 2 submissions from 2 submitters: Uncertain significance (2). Last evaluated 2026-06-09.

Conditions:
Hereditary cancer-predisposing syndrome. Also called: Hereditary neoplastic syndrome; Neoplastic Syndromes, Hereditary; Tumor predisposition; Hereditary Cancer Syndrome. Identifiers: Orphanet 140162, MedGen C0027672, MeSH D009386, MONDO:0015356.
Neuroblastoma, susceptibility to, 3. Also called: ALK-Related Neuroblastic Tumor Susceptibility. Identifiers: Orphanet 635, MedGen C2751681, MONDO:0013083, OMIM 613014.

Allele frequency attached by ClinVar (database versions not stated): gnomAD exomes below 0.00001.
gnomAD v4.1: 1 of 1,613,762 alleles (0.000062%); highest among the groups gnomAD compares: East Asian, 0.0022%; no homozygotes.

Submissions (3):

Ambry Genetics
Classification: Uncertain significance for Hereditary cancer-predisposing syndrome. Last evaluated: 2026-06-09. Review status: criteria provided, single submitter. Criteria: Ambry Variant Classification Scheme 2023. Collection method: clinical testing. Allele origin: germline.
Comment: The c.2633-2A>G intronic variant results from an A to G substitution two nucleotides upstream from coding exon 16 in the ALK gene. This nucleotide position is highly conserved in available vertebrate species. In silico splice site analysis predicts that this alteration will weaken the native splice acceptor site. Variants that disrupt the canonical splice site are expected to cause aberrant splicing, resulting in an abnormal protein or a transcript that is subject to nonsense-mediated mRNA decay. However, loss of function has not been established as a mechanism of disease. Based on the available evidence, the clinical significance of this variant remains unclear.

Labcorp Genetics (formerly Invitae), Labcorp
Classification: Uncertain significance for Neuroblastoma, susceptibility to, 3. Last evaluated: 2024-10-24. Review status: criteria provided, single submitter. Criteria: Invitae Variant Classification Sherloc (09022015). Collection method: clinical testing. Allele origin: germline.
Comment: This sequence change affects an acceptor splice site in intron 15 of the ALK gene. It is expected to disrupt RNA splicing. Variants that disrupt the donor or acceptor splice site typically lead to a loss of protein function (PMID: 16199547), however the current clinical and genetic evidence is not sufficient to establish whether loss-of-function variants in ALK cause disease. This variant is present in population databases (no rsID available, gnomAD 0.006%). This variant has not been reported in the literature in individuals affected with ALK-related conditions. ClinVar contains an entry for this variant (Variation ID: 1064376). Algorithms developed to predict the effect of sequence changes on RNA splicing suggest that this variant may disrupt the consensus splice site. In summary, the available evidence is currently insufficient to determine the role of this variant in disease. Therefore, it has been classified as a Variant of Uncertain Significance.

Dr. Peter K. Rogan Lab, Western University
No classification provided (evidence only). Condition: Ovarian serous cystadenocarcinoma. Review status: no classification provided. Collection method: in vitro. Allele origin: not applicable. Functional consequence: retained intron. Not counted in ClinVar's aggregate classification.

Literature cited by the submitters: PubMed 16199547 (cited by Labcorp Genetics (formerly Invitae), Labcorp).